The following is an entry in ClinVar:

NM_001329943.3(KIAA0586):c.3785T>G (p.Leu1262Ter)

Gene: KIAA0586 (KIAA0586; plus strand). Cytogenetic location: 14q23.1.
Variant type: single nucleotide variant.
Coding change: c.3785T>G on transcript NM_001329943.3 (MANE Select); coding-DNA position 3785, T replaced by G.
Protein change: p.Leu1262Ter; replaces leucine 1262 with a stop codon.
Molecular consequence: nonsense.
Genome position (GRCh38, 1-based): chr14:58,490,167, T>G. VCF-style: chr14-58490167-T-G. GRCh37 (hg19) VCF-style: chr14-58956885-T-G.
Other names: c.3944T>G, p.Leu1315Ter (NM_001244189.2); c.3740T>G, p.Leu1247Ter (NM_001244190.2); c.3530T>G, p.Leu1177Ter (NM_001244191.2, NM_001329945.2, NM_001364700.1 and 1 more transcripts); c.3653T>G, p.Leu1218Ter (NM_001244192.2); c.3365T>G, p.Leu1122Ter (NM_001244193.2); c.3785T>G, p.Leu1262Ter (NM_001329944.2, NM_001329946.2, NM_001329947.2); c.3557T>G, p.Leu1186Ter (NM_014749.5); short protein forms L1262*, L1247*, L1315*, L1177*, L1122*, L1186*, L1218*.
Identifiers: ClinVar variation 4789178 (VCV004789178.4).

ClinVar aggregate classification (germline): Pathogenic/Likely pathogenic. Review status: criteria provided, multiple submitters, no conflicts (2 of 4 stars). 3 submissions from 3 submitters: Pathogenic (1); Likely pathogenic (2). Last evaluated 2025-09-29.

Conditions:
Joubert syndrome 23 (JBTS23). Identifiers: Orphanet 475, MedGen C4084822, MONDO:0014664, OMIM 616490.
Short-rib thoracic dysplasia 14 with polydactyly (SRTD14). Identifiers: Orphanet 397715, MedGen C4225286, MONDO:0014688, OMIM 616546.
KIAA0586-related disorder. Also called: KIAA0586-related condition; KIAA0586- Related disorders.

Submissions (3):

Labcorp Genetics (formerly Invitae), Labcorp
Classification: Pathogenic for Joubert syndrome 23; Short-rib thoracic dysplasia 14 with polydactyly. Last evaluated: 2025-09-29. Review status: criteria provided, single submitter. Criteria: Invitae Variant Classification Sherloc (09022015). Collection method: clinical testing. Allele origin: germline.
Comment: This sequence change creates a premature translational stop signal (p.Leu1315*) in the KIAA0586 gene. It is expected to result in an absent or disrupted protein product. Loss-of-function variants in KIAA0586 are known to be pathogenic (PMID: 26096313, 26166481, 26386044). This variant is not present in population databases (gnomAD no frequency). This variant has not been reported in the literature in individuals affected with KIAA0586-related conditions. For these reasons, this variant has been classified as Pathogenic.

Blueprint Genetics
Classification: Likely pathogenic for KIAA0586-related disorders. Last evaluated: 2022-08-19. Review status: criteria provided, single submitter. Criteria: ACMG Guidelines, 2015. Collection method: clinical testing. Allele origin: germline. Affected: yes. Observed: 1 variant allele.

Juno Genomics, Hangzhou Juno Genomics, Inc
Classification: Likely pathogenic for Joubert syndrome 23; Short-rib thoracic dysplasia 14 with polydactyly. Review status: criteria provided, single submitter. Criteria: ACMG Guidelines, 2015. Collection method: clinical testing. Allele origin: germline.
Comment: Null variant in a gene where loss of function (LOF) is a known mechanism of disease.;Absent from controls (or at extremely low frequency if recessive) in Genome Aggregation Database.

Literature cited by the submitters: PubMed 26096313 (cited by Labcorp Genetics (formerly Invitae), Labcorp); PubMed 26166481 (cited by Labcorp Genetics (formerly Invitae), Labcorp); PubMed 26386044 (cited by Labcorp Genetics (formerly Invitae), Labcorp).